The following is an entry in ClinVar:

NM_016373.4(WWOX):c.410-56A>T

Gene: WWOX (WW domain containing oxidoreductase; plus strand). Cytogenetic location: 16q23.1.
Variant type: single nucleotide variant.
Coding change: c.410-56A>T on transcript NM_016373.4 (MANE Select); 56 bases into the intron before coding-DNA position 410, A replaced by T.
Molecular consequence: intron variant.
Genome position (GRCh38, 1-based): chr16:78,164,127, A>T. VCF-style: chr16-78164127-A-T. GRCh37 (hg19) VCF-style: chr16-78198024-A-T.
Other names: c.71-56A>T (NM_001291997.2); c.410-56A>T (NM_130791.5).
Identifiers: ClinVar variation 674460 (VCV000674460.2), dbSNP rs114757033, ClinGen allele CA284506051.

ClinVar aggregate classification (germline): Benign. Review status: criteria provided, multiple submitters, no conflicts (2 of 4 stars). 2 submissions from 2 submitters: Benign (2). Last evaluated 2018-06-19.

Allele frequency attached by ClinVar (database versions not stated): 1000 Genomes Project 0.01558; gnomAD 0.01725 and 0.01855; 1000 Genomes Project 30x 0.01733; TOPMed 0.01798.
gnomAD v4.1: 4,780 of 1,515,672 alleles (0.32%); highest among the groups gnomAD compares: African/African-American, 6%; 148 homozygotes.

Submissions (2):

GeneDx
Classification: Benign. Last evaluated: 2018-06-19. Review status: criteria provided, single submitter. Criteria: GeneDx Variant Classification (06012015). Collection method: clinical testing. Allele origin: germline. Affected: yes.
Comment: This variant is considered likely benign or benign based on one or more of the following criteria: it is a conservative change, it occurs at a poorly conserved position in the protein, it is predicted to be benign by multiple in silico algorithms, and/or has population frequency not consistent with disease.

Breakthrough Genomics
Classification: Benign. Review status: criteria provided, single submitter. Criteria: ACMG Guidelines, 2015. Collection method: not provided. Allele origin: germline. Inheritance: Autosomal recessive inheritance. Affected: yes.